The following is an entry in ClinVar:

ClinVar aggregate classification (germline): Uncertain significance (1 of 4 stars; one submission).

Submission:

Dasa
Classification: Uncertain significance. Last evaluated: 2026-04-20. Review status: criteria provided, single submitter. Criteria: DASA Assertion Criteria. Collection method: clinical testing. Allele origin: germline.
Comment: NM_000291.4(PGK1):c.938G>A (p.Gly313Asp) is a missense variant that results in the substitution of glycine with aspartic acid. This variant is absent from population databases. Computational prediction algorithms are consistent with a deleterious effect. The currently available literature and clinical evidence are not sufficient to establish a definitive association between this variant and the reported condition. Therefore, this variant is classified as a variant of uncertain significance.

NM_000291.4(PGK1):c.938G>A (p.Gly313Asp)

Gene: PGK1 (phosphoglycerate kinase 1; plus strand). Cytogenetic location: Xq21.1.
Variant type: single nucleotide variant.
Coding change: c.938G>A on transcript NM_000291.4 (MANE Select); coding-DNA position 938, G replaced by A.
Protein change: p.Gly313Asp; replaces glycine 313 with aspartic acid.
Molecular consequence: missense variant.
Genome position (GRCh38, 1-based): chrX:78,124,875, G>A. VCF-style: chrX-78124875-G-A. GRCh37 (hg19) VCF-style: chrX-77380372-G-A.
Other names: short protein forms G313D.
Identifiers: ClinVar variation 4885537 (VCV004885537.2).